The following is an entry in ClinVar:

NM_000070.3(CAPN3):c.1643G>A (p.Arg548His)

Gene: CAPN3 (calpain 3; plus strand). Cytogenetic location: 15q15.1.
Variant type: single nucleotide variant.
Coding change: c.1643G>A on transcript NM_000070.3 (MANE Select); coding-DNA position 1643, G replaced by A.
Protein change: p.Arg548His; replaces arginine 548 with histidine.
Molecular consequence: missense variant.
Genome position (GRCh38, 1-based): chr15:42,402,900, G>A. VCF-style: chr15-42402900-G-A. GRCh37 (hg19) VCF-style: chr15-42695098-G-A.
Other names: c.1643G>A, p.Arg548His (NM_024344.2); c.1499G>A, p.Arg500His (NM_173087.2); c.107G>A, p.Arg36His (NM_173088.2); short protein forms R548H, R36H, R500H.
Identifiers: ClinVar variation 289674 (VCV000289674.26), dbSNP rs146309264, ClinGen allele CA7511454.

ClinVar aggregate classification (germline): Conflicting classifications of pathogenicity. Review status: criteria provided, conflicting classifications (1 of 4 stars). 5 submissions from 5 submitters: Uncertain significance (3); Benign (1). 1 of the submissions does not count toward it. Last evaluated 2026-01-09.

Conditions:
Autosomal recessive limb-girdle muscular dystrophy type 2A (LGMDR1). Also called: Calpainopathy; MUSCULAR DYSTROPHY, PELVOFEMORAL; Limb-girdle muscular dystrophy, type 2A; Muscular dystrophy, limb-girdle, type 2A, Amish; LEYDEN-MOEBIUS MUSCULAR DYSTROPHY. Identifiers: Orphanet 267, MedGen C1869123, MONDO:0009675, OMIM 253600. Disease mechanism: loss of function.

Allele frequency attached by ClinVar (database versions not stated): gnomAD exomes 0.00022 and 0.00048; TOPMed 0.00034; ExAC 0.00035; gnomAD 0.00037 and 0.00039; ESP Exome Variant Server 0.00054.
gnomAD v4.1: 404 of 1,614,046 alleles (0.025%); highest among the groups gnomAD compares: Non-Finnish European, 0.0045%; 1 homozygote.

Submissions (5):

Labcorp Genetics (formerly Invitae), Labcorp
Classification: Benign for Autosomal recessive limb-girdle muscular dystrophy type 2A. Last evaluated: 2026-01-09. Review status: criteria provided, single submitter. Criteria: Invitae Variant Classification Sherloc (09022015). Collection method: clinical testing. Allele origin: germline.

GeneDx
Classification: Uncertain significance. Last evaluated: 2024-10-08. Review status: criteria provided, single submitter. Criteria: GeneDx Variant Classification Process June 2021. Collection method: clinical testing. Allele origin: germline. Affected: yes.
Comment: In silico analysis supports that this missense variant has a deleterious effect on protein structure/function; Has not been previously published as pathogenic or benign to our knowledge; This variant is associated with the following publications: (PMID: 30564623)

Illumina Laboratory Services, Illumina
Classification: Uncertain significance for Limb-girdle muscular dystrophy, type 2A. Last evaluated: 2018-01-13. Review status: criteria provided, single submitter. Criteria: ICSL Variant Classification Criteria 13 December 2019. Collection method: clinical testing. Allele origin: germline.

Eurofins Ntd Llc (ga)
Classification: Uncertain significance. Last evaluated: 2016-07-27. Review status: criteria provided, single submitter. Criteria: EGL Classification Definitions 2015. Collection method: clinical testing. Allele origin: germline. Observed: 1 variant allele, 1 heterozygote.

Natera, Inc.
Classification: Likely benign for Limb-girdle muscular dystrophy type 2A. Last evaluated: 2020-04-17. Review status: no assertion criteria provided. Collection method: clinical testing. Allele origin: germline. Not counted in ClinVar's aggregate classification.